The following is an entry in ClinVar:

ClinVar aggregate classification (germline): Uncertain significance (1 of 4 stars; one submission).

Submission:

Labcorp Genetics (formerly Invitae), Labcorp
Classification: Uncertain significance. Last evaluated: 2022-07-02. Review status: criteria provided, single submitter. Criteria: Invitae Variant Classification Sherloc (09022015). Collection method: clinical testing. Allele origin: germline.
Comment: In summary, the available evidence is currently insufficient to determine the role of this variant in disease. Therefore, it has been classified as a Variant of Uncertain Significance. Algorithms developed to predict the effect of sequence changes on RNA splicing suggest that this variant may disrupt the consensus splice site. This variant has not been reported in the literature in individuals affected with ATR-related conditions. This variant is not present in population databases (gnomAD no frequency). This sequence change affects codon 592 of the ATR mRNA. It is a 'silent' change, meaning that it does not change the encoded amino acid sequence of the ATR protein.

NM_001184.4(ATR):c.1776T>G (p.Gly592=)

Gene: ATR (ATR checkpoint kinase; minus strand). Cytogenetic location: 3q23.
Variant type: single nucleotide variant.
Coding change: c.1776T>G on transcript NM_001184.4 (MANE Select); coding-DNA position 1776, T replaced by G.
Protein change: p.Gly592=; no amino-acid change (glycine 592 retained).
Molecular consequence: synonymous variant.
Genome position (GRCh38, 1-based): chr3:142,558,733, A>C on the plus strand (T>G on the coding strand, the complement: ATR is on the minus strand). VCF-style: chr3-142558733-A-C. GRCh37 (hg19) VCF-style: chr3-142277575-A-C.
Other names: c.1584T>G, p.Gly528= (NM_001354579.2).
Identifiers: ClinVar variation 1974035 (VCV001974035.5), dbSNP rs2227930, ClinGen allele CA436128978.
Genomic context (GRCh38, chr3:142,558,733, plus strand): 5'-TGTGGTCAACTTTAAACAGCCATCATCAGAATGGGAATAAATCCATGGAAGTGAGAGCAT[A>C]CCACATAAATCTTCCAGGATATGATCTTCAAATGAACTGTTTACTACAGAAGCACAAAAT-3'
Protein context (NP_001175.2, residues 582-602): FEDHILEDLC[Gly592=]MLSLPWIYSH